The following is an entry in ClinVar:

ClinVar aggregate classification (germline): Uncertain significance. Review status: criteria provided, multiple submitters, no conflicts (2 of 4 stars). 3 submissions from 3 submitters: Uncertain significance (3). Last evaluated 2026-04-25.

Conditions:
TTN-related disorder. Also called: TTN-related disorders; TTN-related condition; TTN-related disease.

Allele frequency attached by ClinVar (database versions not stated): TOPMed 0.00004; gnomAD 0.00008 and 0.00009.
gnomAD v4.1: 25 of 1,611,270 alleles (0.0016%); highest among the groups gnomAD compares: African/African-American, 0.024%; no homozygotes.

Submissions (3):

PreventionGenetics, part of Exact Sciences
Classification: Uncertain significance for TTN-related condition. Last evaluated: 2026-04-25. Review status: criteria provided, single submitter. Criteria: ACMG Guidelines, 2015. Collection method: clinical testing. Allele origin: germline.
Comment: The TTN c.68605G>A variant is predicted to result in the amino acid substitution p.Gly22869Ser. To our knowledge, this variant has not been reported in the literature. This variant is reported in 0.0083% of alleles in individuals of African descent in gnomAD. At this time, the clinical significance of this variant is uncertain due to the absence of conclusive functional and genetic evidence.

Revvity Omics, Revvity
Classification: Uncertain significance. Last evaluated: 2022-02-07. Review status: criteria provided, single submitter. Criteria: ACMG Guidelines, 2015. Collection method: clinical testing. Allele origin: germline.

Laboratory for Molecular Medicine, Mass General Brigham Personalized Medicine
Classification: Uncertain significance. Last evaluated: 2015-12-23. Review status: criteria provided, single submitter. Criteria: LMM Criteria. Collection method: clinical testing. Allele origin: germline. Observed: 1 variant allele.
Comment: The p.Gly20301Ser variant in TTN has not been previously reported in individuals with cardiomyopathy and is absent from large population studies. Computational prediction tools and conservation analysis suggest that this variant may impact the protein, though this information is not predictive enough to determine patho genicity. In summary, the clinical significance of the p.Gly20301Ser variant is uncertain.

NM_001267550.2(TTN):c.68605G>A (p.Gly22869Ser)

Genes: TTN-AS1 (TTN antisense RNA 1; plus strand), TTN (titin; minus strand). Cytogenetic location: 2q31.2.
Variant type: single nucleotide variant.
Coding change: c.68605G>A on transcript NM_001267550.2 (MANE Select); coding-DNA position 68605, G replaced by A.
Protein change: p.Gly22869Ser; replaces glycine 22869 with serine.
Molecular consequence: missense variant.
Genome position (GRCh38, 1-based): chr2:178,577,821, C>T on the plus strand (G>A on the coding strand, the complement: TTN is on the minus strand). VCF-style: chr2-178577821-C-T. GRCh37 (hg19) VCF-style: chr2-179442548-C-T.
Other names: c.60901G>A, p.Gly20301Ser (NM_133378.4); c.63682G>A, p.Gly21228Ser (NM_001256850.1); c.41410G>A, p.Gly13804Ser (NM_003319.4); c.41785G>A, p.Gly13929Ser (NM_133432.3); c.41986G>A, p.Gly13996Ser (NM_133437.4); short protein forms G20301S, G22869S, G13804S, G21228S, G13996S, G13929S.
Identifiers: ClinVar variation 229500 (VCV000229500.9), dbSNP rs876658078, ClinGen allele CA10576492.